The following is an entry in ClinVar:

ClinVar aggregate classification (germline): Uncertain significance (1 of 4 stars; one submission).

Conditions:
Fanconi anemia complementation group J. Also called: BRIP1-Related Fanconi Anemia. Identifiers: Orphanet 84, MedGen C1836860, MONDO:0012187, OMIM 609054.
Familial cancer of breast. Also called: BREAST CANCER, FAMILIAL; hereditary breast carcinoma; Hereditary breast cancer. Identifiers: Orphanet 227535, MedGen C0346153, MONDO:0016419, OMIM 114480. Disease mechanism: loss of function.

Submission:

Labcorp Genetics (formerly Invitae), Labcorp
Classification: Uncertain significance for Familial cancer of breast; Fanconi anemia complementation group J. Last evaluated: 2017-06-21. Review status: criteria provided, single submitter. Criteria: Invitae Variant Classification Sherloc (09022015). Collection method: clinical testing. Allele origin: germline.
Comment: In summary, this variant has uncertain impact on BRIP1 function. The available evidence is currently insufficient to determine its role in disease. Therefore, it has been classified as a Variant of Uncertain Significance. This sequence change replaces aspartic acid with valine at codon 1141 of the BRIP1 protein (p.Asp1141Val). The aspartic acid residue is weakly conserved and there is a large physicochemical difference between aspartic acid and valine. This variant is not present in population databases (ExAC no frequency). This variant has not been reported in the literature in individuals with a BRIP1-related disease. Algorithms developed to predict the effect of missense changes on protein structure and function do not agree on the potential impact of this missense change (SIFT: "Deleterious"; PolyPhen-2: "Possibly Damaging"; Align-GVGD: "Class C0").

NM_032043.3(BRIP1):c.3422A>T (p.Asp1141Val)

Gene: BRIP1 (BRCA1 interacting DNA helicase 1; minus strand). Cytogenetic location: 17q23.2.
Variant type: single nucleotide variant.
Coding change: c.3422A>T on transcript NM_032043.3 (MANE Select); coding-DNA position 3422, A replaced by T.
Protein change: p.Asp1141Val; replaces aspartic acid 1141 with valine.
Molecular consequence: missense variant.
Genome position (GRCh38, 1-based): chr17:61,683,624, T>A on the plus strand (A>T on the coding strand, the complement: BRIP1 is on the minus strand). VCF-style: chr17-61683624-T-A. GRCh37 (hg19) VCF-style: chr17-59760985-T-A.
Other names: short protein forms D1141V.
Identifiers: ClinVar variation 461152 (VCV000461152.9), dbSNP rs1034551306, ClinGen allele CA400478762.